The following is an entry in ClinVar:

NM_001384900.1(SEMA3D):c.766G>T (p.Asp256Tyr)

Gene: SEMA3D (semaphorin 3D; minus strand). Cytogenetic location: 7q21.11.
Variant type: single nucleotide variant.
Coding change: c.766G>T on transcript NM_001384900.1 (MANE Select); coding-DNA position 766, G replaced by T.
Protein change: p.Asp256Tyr; replaces aspartic acid 256 with tyrosine.
Molecular consequence: missense variant.
Genome position (GRCh38, 1-based): chr7:85,055,812, C>A on the plus strand (G>T on the coding strand, the complement: SEMA3D is on the minus strand). VCF-style: chr7-85055812-C-A. GRCh37 (hg19) VCF-style: chr7-84685128-C-A.
Other names: c.766G>T, p.Asp256Tyr (NM_001384901.1, NM_001384902.1, NM_001384903.1 and 1 more transcripts); short protein forms D256Y.
Identifiers: ClinVar variation 4987879 (VCV004987879.1).

ClinVar aggregate classification (germline): Uncertain significance (1 of 4 stars; one submission).

Conditions:
SEMA3D-related disorder. Also called: SEMA3D-related condition.

gnomAD v4.1: 10 of 1,578,850 alleles (0.00063%); highest among the groups gnomAD compares: Admixed American, 0.017%; no homozygotes.

Submission:

PreventionGenetics, part of Exact Sciences
Classification: Uncertain significance for SEMA3D-related condition. Last evaluated: 2025-10-14. Review status: criteria provided, single submitter. Criteria: ACMG Guidelines, 2015. Collection method: clinical testing. Allele origin: germline.
Comment: The SEMA3D c.766G>T variant is predicted to result in the amino acid substitution p.Asp256Tyr. To our knowledge, this variant has not been reported in the literature. This variant is reported in 0.030% of alleles in individuals of Latino descent in gnomAD. At this time, the clinical significance of this variant is uncertain due to the absence of conclusive functional and genetic evidence.